The following is an entry in ClinVar:

ClinVar aggregate classification (germline): Benign (0 of 4 stars; one submission).

Conditions:
HIP1-related disorder. Also called: HIP1-related condition.

Allele frequency attached by ClinVar (database versions not stated): ExAC 0.00542; ESP Exome Variant Server 0.01453; gnomAD 0.01615; TOPMed 0.01781; 1000 Genomes Project 0.01997; 1000 Genomes Project 30x 0.02171.
gnomAD v4.1: 4,555 of 1,541,112 alleles (0.3%); highest among the groups gnomAD compares: African/African-American, 5.7%; 137 homozygotes.

Submissions (2):

PreventionGenetics, part of Exact Sciences
Classification: Benign for HIP1-related condition. Last evaluated: 2019-02-20. Review status: no assertion criteria provided. Collection method: clinical testing. Allele origin: germline.
Comment: This variant is classified as benign based on ACMG/AMP sequence variant interpretation guidelines (Richards et al. 2015 PMID: 25741868, with internal and published modifications).

Dr. Peter K. Rogan Lab, Western University
No classification provided (evidence only). Condition: Ovarian serous cystadenocarcinoma. Review status: no classification provided. Collection method: in vitro. Allele origin: not applicable. Functional consequence: retained intron. Not counted in ClinVar's aggregate classification.

NM_005338.7(HIP1):c.-4C>T

Genes: HIP1 (huntingtin interacting protein 1; minus strand), LOC129998676 (ATAC-STARR-seq lymphoblastoid silent region 18299; plus strand). Cytogenetic location: 7q11.23.
Variant type: single nucleotide variant.
Coding change: c.-4C>T on transcript NM_005338.7 (MANE Select); 4 bases upstream of the start codon, C replaced by T.
Molecular consequence: 5 prime UTR variant.
Genome position (GRCh38, 1-based): chr7:75,738,924, G>A on the plus strand (C>T on the coding strand, the complement: HIP1 is on the minus strand). VCF-style: chr7-75738924-G-A. GRCh37 (hg19) VCF-style: chr7-75368242-G-A.
Other names: NC_000007.13:g.75368242G>A; c.-4C>T (NM_001243198.3).
Identifiers: ClinVar variation 3038236 (VCV003038236.3), dbSNP rs114903798, ClinGen allele CA4302780.
Genomic context (GRCh38, chr7:75,738,924, plus strand): 5'-CAGCACCTTGGGCAGTGGGTTGGGCACCTGCTTCATGGAGCTGGCCATCCGATCCATGTC[G>A]CCGCGAGGAGCCGAGTCAGGGGCCCTCGGCTGCCCCGGGATCCCCACGGCGCCGCCCGCC-3'